The following is an entry in ClinVar:

NM_000320.3(QDPR):c.614T>G (p.Leu205Ter)

Gene: QDPR (quinoid dihydropteridine reductase; minus strand). Cytogenetic location: 4p15.32.
Variant type: single nucleotide variant.
Coding change: c.614T>G on transcript NM_000320.3 (MANE Select); coding-DNA position 614, T replaced by G.
Protein change: p.Leu205Ter; replaces leucine 205 with a stop codon.
Molecular consequence: nonsense. On other transcripts: non-coding transcript variant (1).
Genome position (GRCh38, 1-based): chr4:17,490,677, A>C on the plus strand (T>G on the coding strand, the complement: QDPR is on the minus strand). VCF-style: chr4-17490677-A-C. GRCh37 (hg19) VCF-style: chr4-17492300-A-C.
Other names: c.521T>G, p.Leu174Ter (NM_001306140.2); short protein forms L174*, L205*.
Identifiers: ClinVar variation 1458840 (VCV001458840.8), dbSNP rs1362475419, ClinGen allele CA356443947.

ClinVar aggregate classification (germline): Pathogenic (1 of 4 stars; one submission).

Conditions:
Dihydropteridine reductase deficiency (HPABH4C). Also called: DHPR DEFICIENCY; BH4-Deficient Hyperphenylalaninemia C; Hyperphenylalaninemia due to dihydropteridine reductase deficiency; Hyperphenylalaninemia, BH-4-deficient, C; Phenylketonuria type 2; HYPERPHENYLALANINEMIA, TETRAHYDROBIOPTERIN-DEFICIENT, DUE TO DHPR DEFICIENCY. Identifiers: Orphanet 226, Orphanet 238583, MedGen C0268465, MONDO:0009862, OMIM 261630.

Allele frequency attached by ClinVar (database versions not stated): gnomAD exomes below 0.00001.
gnomAD v4.1: 2 of 1,613,622 alleles (0.00012%); highest among the groups gnomAD compares: East Asian, 0.0022%; no homozygotes.

Submission:

Labcorp Genetics (formerly Invitae), Labcorp
Classification: Pathogenic for Dihydropteridine reductase deficiency. Last evaluated: 2023-09-10. Review status: criteria provided, single submitter. Criteria: Invitae Variant Classification Sherloc (09022015). Collection method: clinical testing. Allele origin: germline.
Comment: For these reasons, this variant has been classified as Pathogenic. This variant disrupts a region of the QDPR protein in which other variant(s) (p.Arg221*) have been determined to be pathogenic (PMID: 8518287, 19099731, 27246466, 30109838). This suggests that this is a clinically significant region of the protein, and that variants that disrupt it are likely to be disease-causing. ClinVar contains an entry for this variant (Variation ID: 1458840). This premature translational stop signal has been observed in individual(s) with dihydropteridine reductase deficiency (PMID: 8518287). This variant is present in population databases (no rsID available, gnomAD 0.006%). This sequence change creates a premature translational stop signal (p.Leu205*) in the QDPR gene. While this is not anticipated to result in nonsense mediated decay, it is expected to disrupt the last 40 amino acid(s) of the QDPR protein.

Literature cited by the submitters: PubMed 8518287; PubMed 19099731; PubMed 27246466; PubMed 30109838.